The following is an entry in ClinVar:

NM_170707.4(LMNA):c.97G>C (p.Glu33Gln)

Genes: LMNA (lamin A/C; plus strand), LOC129931597 (ATAC-STARR-seq lymphoblastoid silent region 1421; plus strand). Cytogenetic location: 1q22.
Variant type: single nucleotide variant.
Coding change: c.97G>C on transcript NM_170707.4 (MANE Select); coding-DNA position 97, G replaced by C.
Protein change: p.Glu33Gln; replaces glutamic acid 33 with glutamine.
Molecular consequence: missense variant.
Genome position (GRCh38, 1-based): chr1:156,115,015, G>C. VCF-style: chr1-156115015-G-C. GRCh37 (hg19) VCF-style: chr1-156084806-G-C.
Other names: c.97G>C, p.Glu33Gln (NM_001282625.2, NM_001282626.2, NM_001406983.1 and 6 more transcripts); c.-327G>C (NM_001406986.1); c.-305G>C (NM_001406990.1, NM_001406995.1, NM_001407002.1); c.-568G>C (NM_001406994.1, NM_001407000.1); c.-748G>C (NM_001406999.1); c.-411G>C (NM_001407001.1); short protein forms E33Q.
Identifiers: ClinVar variation 2047580 (VCV002047580.4), dbSNP rs2527830747, ClinGen allele CA342807465.

ClinVar aggregate classification (germline): Uncertain significance (1 of 4 stars; one submission).

Conditions:
Charcot-Marie-Tooth disease type 2. Also called: Charcot-Marie-Tooth type 2. Identifiers: Orphanet 64746, MedGen C0270914, MONDO:0018993.

Submission:

Labcorp Genetics (formerly Invitae), Labcorp
Classification: Uncertain significance for Charcot-Marie-Tooth disease type 2. Last evaluated: 2021-12-19. Review status: criteria provided, single submitter. Criteria: Invitae Variant Classification Sherloc (09022015). Collection method: clinical testing. Allele origin: germline.
Comment: This sequence change replaces glutamic acid, which is acidic and polar, with glutamine, which is neutral and polar, at codon 33 of the LMNA protein (p.Glu33Gln). In summary, the available evidence is currently insufficient to determine the role of this variant in disease. Therefore, it has been classified as a Variant of Uncertain Significance. Algorithms developed to predict the effect of missense changes on protein structure and function are either unavailable or do not agree on the potential impact of this missense change (SIFT: "Deleterious"; PolyPhen-2: "Benign"; Align-GVGD: "Class C25"). This variant has not been reported in the literature in individuals affected with LMNA-related conditions. This variant is not present in population databases (gnomAD no frequency).